The following is an entry in ClinVar:

NM_000278.5(PAX2):c.845C>T (p.Ser282Leu)

Gene: PAX2 (paired box 2; plus strand). Cytogenetic location: 10q24.31.
Variant type: single nucleotide variant.
Coding change: c.845C>T on transcript NM_000278.5 (MANE Select); coding-DNA position 845, C replaced by T.
Protein change: p.Ser282Leu; replaces serine 282 with leucine.
Molecular consequence: missense variant.
Genome position (GRCh38, 1-based): chr10:100,809,162, C>T. VCF-style: chr10-100809162-C-T. GRCh37 (hg19) VCF-style: chr10-102568919-C-T.
Other names: c.938C>T, p.Ser313Leu (NM_001304569.2); c.914C>T, p.Ser305Leu (NM_003987.5, NM_003990.5); c.845C>T, p.Ser282Leu (NM_003988.5, NM_003989.5); short protein forms S282L, S305L, S313L.
Identifiers: ClinVar variation 1416472 (VCV001416472.11), dbSNP rs757989097, ClinGen allele CA5650876.
Genomic context (GRCh38, chr10:100,809,162, plus strand): 5'-CCTCCCAGGGGAACGAGTACTCCCTCCCAGCCCTGACCCCTGGGCTTGATGAAGTCAAGT[C>T]GAGTCTATCTGCATCCACCAACCCTGAGCTGGGCAGCAACGTGTCAGGCACACAGACATA-3'
Protein context (NP_000269.3, residues 272-292): ALTPGLDEVK[Ser282Leu]SLSASTNPEL

ClinVar aggregate classification (germline): Conflicting classifications of pathogenicity. Review status: criteria provided, conflicting classifications (1 of 4 stars). 4 submissions from 4 submitters: Uncertain significance (3); Likely benign (1). Last evaluated 2025-05-13.

Conditions:
Renal coloboma syndrome (PAPRS). Also called: PAPILLORENAL SYNDROME; COLOBOMA OF OPTIC NERVE WITH RENAL DISEASE; OPTIC COLOBOMA, VESICOURETERAL REFLUX, AND RENAL ANOMALIES; OPTIC NERVE COLOBOMA WITH RENAL DISEASE; RENAL-COLOBOMA SYNDROME WITH MACULAR ABNORMALITIES; CONGENITAL ANOMALIES OF THE KIDNEY AND URINARY TRACT WITH OR WITHOUT OCULAR ABNORMALITIES. Identifiers: Orphanet 1475, MedGen C1852759, MONDO:0007352, OMIM 120330.
Focal segmental glomerulosclerosis 7 (FSGS7). Identifiers: Orphanet 656, MedGen C4014925, MONDO:0014451, OMIM 616002.

Allele frequency attached by ClinVar (database versions not stated): gnomAD 0.00001; TOPMed 0.00003; gnomAD exomes 0.00007; ExAC 0.00010.
gnomAD v4.1: 103 of 1,612,914 alleles (0.0064%); highest among the groups gnomAD compares: East Asian, 0.11%; 1 homozygote.

Submissions (4):

Labcorp Genetics (formerly Invitae), Labcorp
Classification: Uncertain significance for Renal coloboma syndrome; Focal segmental glomerulosclerosis 7. Last evaluated: 2025-05-13. Review status: criteria provided, single submitter. Criteria: Invitae Variant Classification Sherloc (09022015). Collection method: clinical testing. Allele origin: germline.
Comment: This sequence change replaces serine, which is neutral and polar, with leucine, which is neutral and non-polar, at codon 282 of the PAX2 protein (p.Ser282Leu). This variant is present in population databases (rs757989097, gnomAD 0.02%), including at least one homozygous and/or hemizygous individual. This missense change has been observed in individual(s) with congenital anomalies of the kidney and urinary tract (PMID: 34979951). ClinVar contains an entry for this variant (Variation ID: 1416472). An algorithm developed to predict the effect of missense changes on protein structure and function (PolyPhen-2) suggests that this variant is likely to be tolerated. In summary, the available evidence is currently insufficient to determine the role of this variant in disease. Therefore, it has been classified as a Variant of Uncertain Significance.

Blueprint Genetics
Classification: Likely benign. Last evaluated: 2024-03-07. Review status: criteria provided, single submitter. Criteria: ACMG Guidelines, 2015. Collection method: clinical testing. Allele origin: germline.

Fulgent Genetics
Classification: Uncertain significance for Renal coloboma syndrome; Focal segmental glomerulosclerosis 7. Last evaluated: 2022-05-31. Review status: criteria provided, single submitter. Criteria: ACMG Guidelines, 2015. Collection method: clinical testing. Allele origin: unknown.

Department of Pathology and Laboratory Medicine, Sinai Health System
Classification: Uncertain significance for Renal coloboma syndrome; Focal segmental glomerulosclerosis 7. Last evaluated: 2021-07-30. Review status: criteria provided, single submitter. Criteria: ACMG Guidelines, 2015. Collection method: research. Allele origin: germline.

Literature cited by the submitters: PubMed 34979951 (cited by Labcorp Genetics (formerly Invitae), Labcorp).